The following is an entry in ClinVar:

NM_002206.3(ITGA7):c.1625G>A (p.Arg542His)

Gene: ITGA7 (integrin subunit alpha 7; minus strand). Cytogenetic location: 12q13.2.
Variant type: single nucleotide variant.
Coding change: c.1625G>A on transcript NM_002206.3 (MANE Select); coding-DNA position 1625, G replaced by A.
Protein change: p.Arg542His; replaces arginine 542 with histidine.
Molecular consequence: missense variant.
Genome position (GRCh38, 1-based): chr12:55,697,011, C>T on the plus strand (G>A on the coding strand, the complement: ITGA7 is on the minus strand). VCF-style: chr12-55697011-C-T. GRCh37 (hg19) VCF-style: chr12-56090795-C-T.
Other names: c.1637G>A, p.Arg546His (NM_001144996.2); c.1346G>A, p.Arg449His (NM_001144997.2); c.1298G>A, p.Arg433His (NM_001367993.1); c.281G>A, p.Arg94His (NM_001367994.1); c.1607G>A, p.Arg536His (NM_001374465.1); c.1757G>A, p.Arg586His (NM_001410977.1); c.1619G>A, p.Arg540His (NM_001414029.1); c.1550G>A, p.Arg517His (NM_001414030.1); and 5 more; short protein forms R449H, R542H, R433H, R546H, R94H, R536H, R586H, R517H.
Identifiers: ClinVar variation 449648 (VCV000449648.13), dbSNP rs17854598, ClinGen allele CA6615875.
Genomic context (GRCh38, chr12:55,697,011, plus strand): 5'-CACACGGTGCCCGAGGCCTGGTGCTTGGGTTCTTCCAGGTTACGGCTCAGGAACGTCACA[C>T]GGGGAACCTGGCCCCGGAGCCTCCGGTCTGTGTCCGCATCTAACACATAGTCCAGGGCTG-3'
Protein context (NP_002197.2, residues 532-552): TDRRLRGQVP[Arg542His]VTFLSRNLEE

ClinVar aggregate classification (germline): Uncertain significance. Review status: criteria provided, multiple submitters, no conflicts (2 of 4 stars). 3 submissions from 3 submitters: Uncertain significance (3). Last evaluated 2026-01-06.

Conditions:
Congenital muscular dystrophy due to integrin alpha-7 deficiency. Also called: MYOPATHY, CONGENITAL, DUE TO INTEGRIN ALPHA-7 DEFICIENCY; Congenital muscular dystrophy with integrin alpha-7 deficiency; Muscular dystrophy, congenital, due to ITGA7 deficiency. Identifiers: Orphanet 34520, MedGen C2750786, MONDO:0013177, OMIM 613204.

Allele frequency attached by ClinVar (database versions not stated): ExAC 0.00003; gnomAD exomes 0.00003; TOPMed 0.00006; gnomAD 0.00007; ESP Exome Variant Server 0.00008.
gnomAD v4.1: 169 of 1,613,948 alleles (0.01%); highest among the groups gnomAD compares: Non-Finnish European, 0.013%; no homozygotes.

Submissions (3):

GeneDx
Classification: Uncertain significance. Last evaluated: 2026-01-06. Review status: criteria provided, single submitter. Criteria: GeneDx Variant Classification Process June 2021. Collection method: clinical testing. Allele origin: germline. Affected: yes.
Comment: Not observed at significant frequency in large population cohorts (gnomAD); In silico analysis supports that this missense variant has a deleterious effect on protein structure/function; Has not been previously published as pathogenic or benign to our knowledge

Labcorp Genetics (formerly Invitae), Labcorp
Classification: Uncertain significance for Congenital muscular dystrophy due to integrin alpha-7 deficiency. Last evaluated: 2022-03-26. Review status: criteria provided, single submitter. Criteria: Invitae Variant Classification Sherloc (09022015). Collection method: clinical testing. Allele origin: germline.
Comment: In summary, the available evidence is currently insufficient to determine the role of this variant in disease. Therefore, it has been classified as a Variant of Uncertain Significance. Algorithms developed to predict the effect of missense changes on protein structure and function are either unavailable or do not agree on the potential impact of this missense change (SIFT: "Deleterious"; PolyPhen-2: "Probably Damaging"; Align-GVGD: "Class C0"). ClinVar contains an entry for this variant (Variation ID: 449648). This variant has not been reported in the literature in individuals affected with ITGA7-related conditions. This variant is present in population databases (rs17854598, gnomAD 0.008%). This sequence change replaces arginine, which is basic and polar, with histidine, which is basic and polar, at codon 542 of the ITGA7 protein (p.Arg542His).

Revvity Omics, Revvity
Classification: Uncertain significance for Congenital muscular dystrophy due to integrin alpha-7 deficiency. Last evaluated: 2021-06-01. Review status: criteria provided, single submitter. Criteria: ACMG Guidelines, 2015. Collection method: clinical testing. Allele origin: germline.